The following is an entry in ClinVar:

ClinVar aggregate classification (germline): Uncertain significance. Review status: criteria provided, multiple submitters, no conflicts (2 of 4 stars). 2 submissions from 2 submitters: Uncertain significance (2). Last evaluated 2024-12-16.

Conditions:
Deficiency of ferroxidase (ACEP). Also called: Deficiency of ceruloplasmin; Ceruloplasmin deficiency; Familial apoceruloplasmin deficiency; Hereditary ceruloplasmin deficiency; Aceruloplasminemia; NEURODEGENERATION WITH BRAIN IRON ACCUMULATION 10. Identifiers: Orphanet 48818, MedGen C0878682, MONDO:0011426, OMIM 604290, HP:0025498.
CP-related disorder. Also called: CP-related condition.

Allele frequency attached by ClinVar (database versions not stated): gnomAD exomes 0.00001.
gnomAD v4.1: 9 of 1,613,308 alleles (0.00056%); highest among the groups gnomAD compares: Non-Finnish European, 0.00076%; no homozygotes.

Submissions (2):

PreventionGenetics, part of Exact Sciences
Classification: Uncertain significance for CP-related condition. Last evaluated: 2024-12-16. Review status: criteria provided, single submitter. Criteria: ACMG Guidelines, 2015. Collection method: clinical testing. Allele origin: germline.
Comment: The CP c.2762T>C variant is predicted to result in the amino acid substitution p.Leu921Pro. To our knowledge, this variant has not been reported in the literature or in a large population database (gnomAD), indicating this variant is rare. At this time, the clinical significance of this variant is uncertain due to the absence of conclusive functional and genetic evidence.

Labcorp Genetics (formerly Invitae), Labcorp
Classification: Uncertain significance for Deficiency of ferroxidase. Last evaluated: 2020-08-22. Review status: criteria provided, single submitter. Criteria: Invitae Variant Classification Sherloc (09022015). Collection method: clinical testing. Allele origin: germline.
Comment: This sequence change replaces leucine with proline at codon 921 of the CP protein (p.Leu921Pro). The leucine residue is highly conserved and there is a moderate physicochemical difference between leucine and proline. This variant is not present in population databases (ExAC no frequency). This variant has not been reported in the literature in individuals with CP-related conditions. Advanced modeling of protein sequence and biophysical properties (such as structural, functional, and spatial information, amino acid conservation, physicochemical variation, residue mobility, and thermodynamic stability) performed at Invitae indicates that this missense variant is expected to disrupt CP protein function. In summary, the available evidence is currently insufficient to determine the role of this variant in disease. Therefore, it has been classified as a Variant of Uncertain Significance.

NM_000096.4(CP):c.2762T>C (p.Leu921Pro)

Gene: CP (ceruloplasmin; minus strand). Cytogenetic location: 3q24.
Variant type: single nucleotide variant.
Coding change: c.2762T>C on transcript NM_000096.4 (MANE Select); coding-DNA position 2762, T replaced by C.
Protein change: p.Leu921Pro; replaces leucine 921 with proline.
Molecular consequence: missense variant. On other transcripts: non-coding transcript variant (1).
Genome position (GRCh38, 1-based): chr3:149,178,531, A>G on the plus strand (T>C on the coding strand, the complement: CP is on the minus strand). VCF-style: chr3-149178531-A-G. GRCh37 (hg19) VCF-style: chr3-148896318-A-G.
Other names: c.2762T>C (NM_000096.3); short protein forms L921P.
Identifiers: ClinVar variation 1034948 (VCV001034948.9), dbSNP rs1725565373, ClinGen allele CA354929688.
Genomic context (GRCh38, chr3:149,178,531, plus strand): 5'-TGATCAGAGTATGTTTTGATGTTGTCATCTAAGTACCAAGATTCATTCTCATCAAAAACT[A>G]GAAACAGAAGGGCAAATTCCAGTTTCCTTCTGGGATTGAATACTTTCAAGTAAGGTCTTC-3'
Protein context (NP_000087.2, residues 911-931): RRKLEFALLF[Leu921Pro]VFDENESWYL